The following is an entry in ClinVar:

ClinVar aggregate classification (germline): Likely benign. Review status: criteria provided, single submitter (1 of 4 stars). 3 submissions from 3 submitters: Likely benign (1). 2 of the submissions do not count toward it. Last evaluated 2014-03-28.

Allele frequency attached by ClinVar (database versions not stated): ExAC 0.00002; gnomAD exomes 0.00002 and 0.00008; gnomAD 0.00005; TOPMed 0.00005.
gnomAD v4.1: 116 of 1,613,230 alleles (0.0072%); highest among the groups gnomAD compares: Non-Finnish European, 0.0094%; no homozygotes.

Submissions (3):

Laboratory for Molecular Medicine, Mass General Brigham Personalized Medicine
Classification: Likely benign. Last evaluated: 2014-03-28. Review status: criteria provided, single submitter. Criteria: LMM Criteria. Collection method: clinical testing. Allele origin: germline. Observed: 1 variant allele.
Comment: Ala4043Ala in exon 45A of TTN: This variant is not expected to have clinical sig nificance because it does not alter an amino acid residue and is not located wit hin the splice consensus sequence.

Diagnostic Laboratory, Department of Genetics, University Medical Center Groningen
Classification: Likely benign. Review status: no assertion criteria provided. Collection method: clinical testing. Allele origin: germline. Affected: yes. Study: VKGL Data-share Consensus. Not counted in ClinVar's aggregate classification.

Joint Genome Diagnostic Labs from Nijmegen and Maastricht, Radboudumc and MUMC+
Classification: Likely benign. Review status: no assertion criteria provided. Collection method: clinical testing. Allele origin: germline. Affected: yes. Study: VKGL Data-share Consensus. Not counted in ClinVar's aggregate classification.

NM_133379.5(TTN):c.12129A>G (p.Ala4043=)

Gene: TTN (titin; minus strand). Cytogenetic location: 2q31.2.
Variant type: single nucleotide variant.
Coding change: c.12129A>G on transcript NM_133379.5; coding-DNA position 12129, A replaced by G.
Protein change: p.Ala4043=; no amino-acid change (alanine 4043 retained).
Molecular consequence: synonymous variant. On other transcripts: intron variant (6).
Genome position (GRCh38, 1-based): chr2:178,750,271, T>C on the plus strand (A>G on the coding strand, the complement: TTN is on the minus strand). VCF-style: chr2-178750271-T-C. GRCh37 (hg19) VCF-style: chr2-179614998-T-C.
Other names: c.10222+2853A>G (NM_003319.4); c.10798+2853A>G (NM_133437.4); c.10597+2853A>G (NM_133432.3); c.10360+2853A>G (NM_133378.4, NM_001256850.1); c.11311+2853A>G (NM_001267550.2).
Identifiers: ClinVar variation 166274 (VCV000166274.10), dbSNP rs727503669, ClinGen allele CA179139.